The following is an entry in ClinVar:

ClinVar aggregate classification (germline): Pathogenic (1 of 4 stars; one submission).

Conditions:
Autosomal recessive polycystic kidney disease (ARPKD). Also called: AR polycystic kidney disease. Identifiers: Orphanet 731, Orphanet 8378, MedGen C0085548, MeSH D017044, MONDO:0009889.

Submission:

Labcorp Genetics (formerly Invitae), Labcorp
Classification: Pathogenic for Autosomal recessive polycystic kidney disease. Last evaluated: 2023-06-15. Review status: criteria provided, single submitter. Criteria: Invitae Variant Classification Sherloc (09022015). Collection method: clinical testing. Allele origin: germline.
Comment: This sequence change creates a premature translational stop signal (p.Ser2279Profs*18) in the PKHD1 gene. It is expected to result in an absent or disrupted protein product. Loss-of-function variants in PKHD1 are known to be pathogenic (PMID: 19940839). This variant is not present in population databases (gnomAD no frequency). This variant has not been reported in the literature in individuals affected with PKHD1-related conditions. For these reasons, this variant has been classified as Pathogenic.

Literature cited by the submitters: PubMed 19940839.

NM_138694.4(PKHD1):c.6835del (p.Ser2279fs)

Gene: PKHD1 (PKHD1 ciliary IPT domain containing fibrocystin/polyductin; minus strand). Cytogenetic location: 6p12.2.
Variant type: Deletion.
Coding change: c.6835del on transcript NM_138694.4 (MANE Select); coding-DNA position 6835, one base deleted (T; older notation c.6835delT).
Protein change: p.Ser2279fs; shifts the reading frame from serine 2279.
Molecular consequence: frameshift variant.
Genome position (GRCh38, 1-based): chr6:51,904,016, A deleted on the plus strand (T on the coding strand, the reverse complement: PKHD1 is on the minus strand). VCF-style (leftmost placement, unchanged base first): chr6-51904015-GA-G. GRCh37 (hg19) VCF-style: chr6-51768813-GA-G.
Other names: c.6835del, p.Ser2279fs (NM_170724.3); short protein forms S2279fs.
Identifiers: ClinVar variation 2715808 (VCV002715808.3), dbSNP rs2536537920, ClinGen allele CA2697553468.
Genomic context (GRCh38, chr6:51,904,015, plus strand): 5'-TAATAGATTTAAAATCAATTTACATATTTACCATCTTTCCTTCCATGAATTGCCTCCCAG[GA>G]GATATATCTCATCTCCGTGCATGTCCCTGAGAACAAAAGACCCCATTACTTGAGTATATT-3'